The following is an entry in ClinVar:

ClinVar aggregate classification (germline): Uncertain significance (1 of 4 stars; one submission).

Allele frequency attached by ClinVar (database versions not stated): TOPMed 0.00001; gnomAD 0.00002.
gnomAD v4.1: 36 of 1,614,056 alleles (0.0022%); highest among the groups gnomAD compares: Non-Finnish European, 0.0025%; no homozygotes.

Submission:

Labcorp Genetics (formerly Invitae), Labcorp
Classification: Uncertain significance. Last evaluated: 2025-01-21. Review status: criteria provided, single submitter. Criteria: Invitae Variant Classification Sherloc (09022015). Collection method: clinical testing. Allele origin: germline.
Comment: This sequence change replaces threonine, which is neutral and polar, with methionine, which is neutral and non-polar, at codon 510 of the MYH3 protein (p.Thr510Met). This variant is present in population databases (no rsID available, gnomAD 0.006%). This variant has not been reported in the literature in individuals affected with MYH3-related conditions. ClinVar contains an entry for this variant (Variation ID: 1923628). Invitae Evidence Modeling of protein sequence and biophysical properties (such as structural, functional, and spatial information, amino acid conservation, physicochemical variation, residue mobility, and thermodynamic stability) indicates that this missense variant is not expected to disrupt MYH3 protein function with a negative predictive value of 95%. In summary, the available evidence is currently insufficient to determine the role of this variant in disease. Therefore, it has been classified as a Variant of Uncertain Significance.

NM_002470.4(MYH3):c.1529C>T (p.Thr510Met)

Gene: MYH3 (myosin heavy chain 3; minus strand). Cytogenetic location: 17p13.1.
Variant type: single nucleotide variant.
Coding change: c.1529C>T on transcript NM_002470.4 (MANE Select); coding-DNA position 1529, C replaced by T.
Protein change: p.Thr510Met; replaces threonine 510 with methionine.
Molecular consequence: missense variant.
Genome position (GRCh38, 1-based): chr17:10,642,878, G>A on the plus strand (C>T on the coding strand, the complement: MYH3 is on the minus strand). VCF-style: chr17-10642878-G-A. GRCh37 (hg19) VCF-style: chr17-10546195-G-A.
Other names: short protein forms T510M.
Identifiers: ClinVar variation 1923628 (VCV001923628.5), dbSNP rs1182023838, ClinGen allele CA398172667.
Genomic context (GRCh38, chr17:10,642,878, plus strand): 5'-CTGGATACCTTCTCGATGAGCTCGATGCAGGCAGCCAGGTCCATCCCGAAGTCAATGAAC[G>A]TCCACTCGATGCCTTCCTTCTTGTACTCCTCCTGCTCCAGCACGAACATGTGGTGGTTGA-3'
Protein context (NP_002461.2, residues 500-520): EEYKKEGIEW[Thr510Met]FIDFGMDLAA